The following is an entry in ClinVar:

ClinVar aggregate classification (germline): Conflicting classifications of pathogenicity. Review status: criteria provided, conflicting classifications (1 of 4 stars). 5 submissions from 5 submitters: Uncertain significance (1); Likely benign (3). 1 of the submissions does not count toward it. Last evaluated 2025-10-23.

Conditions:
Epidermolysis bullosa simplex 5C, with pyloric atresia (EBS5C). Also called: PLEC-Related Epidermolysis Bullosa with Pyloric Atresia; Epidermolysis bullosa simplex with pyloric atresia; PLEC1-Related Epidermolysis Bullosa with Pyloric Atresia. Identifiers: Orphanet 158684, MedGen C2677349, MONDO:0012807, OMIM 612138.
Epidermolysis bullosa simplex 5B, with muscular dystrophy (EBS5B). Also called: EPIDERMOLYSIS BULLOSA SIMPLEX AND LIMB-GIRDLE MUSCULAR DYSTROPHY; Epidermolysis bullosa simplex with muscular dystrophy. Identifiers: Orphanet 257, MedGen C2931072, MONDO:0009181, OMIM 226670.
Autosomal recessive limb-girdle muscular dystrophy type 2Q (LGMDR17). Also called: MUSCULAR DYSTROPHY, LIMB-GIRDLE, AUTOSOMAL RECESSIVE 17. Identifiers: Orphanet 254361, MedGen C3150989, MONDO:0013390, OMIM 613723.
Epidermolysis bullosa simplex with nail dystrophy (EBS5D). Identifiers: MedGen C4225309, MONDO:0014661, OMIM 616487.
Epidermolysis bullosa simplex, Ogna type (EBS5A). Also called: Pidermolysis bullosa simplex 5A, Ogna type; EPIDERMOLYSIS BULLOSA SIMPLEX 5A, OGNA TYPE. Identifiers: Orphanet 79401, MedGen C0432317, MONDO:0007555, OMIM 131950.
PLEC-related disorder. Also called: PLEC-related disorders; PLEC-related condition.

Allele frequency attached by ClinVar (database versions not stated): TOPMed 0.00009; gnomAD 0.00029.
gnomAD v4.1: 254 of 1,609,964 alleles (0.016%); highest among the groups gnomAD compares: Non-Finnish European, 0.016%; no homozygotes.

Submissions (5):

Labcorp Genetics (formerly Invitae), Labcorp
Classification: Likely benign for Autosomal recessive limb-girdle muscular dystrophy type 2Q; Epidermolysis bullosa simplex, Ogna type; Epidermolysis bullosa simplex with nail dystrophy; Epidermolysis bullosa simplex 5C, with pyloric atresia; Epidermolysis bullosa simplex 5B, with muscular dystrophy. Last evaluated: 2025-10-23. Review status: criteria provided, single submitter. Criteria: Invitae Variant Classification Sherloc (09022015). Collection method: clinical testing. Allele origin: germline.

Blueprint Genetics
Classification: Likely benign. Last evaluated: 2024-05-13. Review status: criteria provided, single submitter. Criteria: ACMG Guidelines, 2015. Collection method: clinical testing. Allele origin: germline.

CeGaT Center for Human Genetics Tuebingen
Classification: Likely benign. Last evaluated: 2022-08-01. Review status: criteria provided, single submitter. Criteria: CeGaT Center For Human Genetics Tuebingen Variant Classification Criteria Version 2. Collection method: clinical testing. Allele origin: germline. Affected: yes. Observed: 1 variant allele.
Comment: PLEC: BP4, BP7

Eurofins Ntd Llc (ga)
Classification: Uncertain significance. Last evaluated: 2018-06-21. Review status: criteria provided, single submitter. Criteria: EGL ClinVar v180209 classification definitions. Collection method: clinical testing. Allele origin: germline. Observed: 2 variant alleles, 2 heterozygotes.

PreventionGenetics, part of Exact Sciences
Classification: Likely benign for PLEC-related condition. Last evaluated: 2024-09-11. Review status: no assertion criteria provided. Collection method: clinical testing. Allele origin: germline. Not counted in ClinVar's aggregate classification.
Comment: This variant is classified as likely benign based on ACMG/AMP sequence variant interpretation guidelines (Richards et al. 2015 PMID: 25741868, with internal and published modifications).

NM_201384.3(PLEC):c.2736C>G (p.Ala912=)

Gene: PLEC (plectin; minus strand). Cytogenetic location: 8q24.3.
Variant type: single nucleotide variant.
Coding change: c.2736C>G on transcript NM_201384.3 (MANE Select); coding-DNA position 2736, C replaced by G.
Protein change: p.Ala912=; no amino-acid change (alanine 912 retained).
Molecular consequence: synonymous variant.
Genome position (GRCh38, 1-based): chr8:143,929,939, G>C on the plus strand (C>G on the coding strand, the complement: PLEC is on the minus strand). VCF-style: chr8-143929939-G-C. GRCh37 (hg19) VCF-style: chr8-145004107-G-C.
Other names: c.2817C>G, p.Ala939= (NM_000445.5); c.2694C>G, p.Ala898= (NM_201378.4); c.2670C>G, p.Ala890= (NM_201379.3); c.3147C>G, p.Ala1049= (NM_201380.4); c.2640C>G, p.Ala880= (NM_201381.3); c.2736C>G, p.Ala912= (NM_201382.4); c.2748C>G, p.Ala916= (NM_201383.3).
Identifiers: ClinVar variation 501796 (VCV000501796.43), dbSNP rs558031489, ClinGen allele CA4927403.